The following is an entry in ClinVar:

ClinVar aggregate classification (germline): Uncertain significance. Review status: criteria provided, multiple submitters, no conflicts (2 of 4 stars). 4 submissions from 4 submitters: Uncertain significance (4). Last evaluated 2024-11-18.

Conditions:
Myofibrillar myopathy 4. Also called: Zaspopathy (type). Identifiers: Orphanet 98912, MedGen C4721886, MONDO:0012277, OMIM 609452.
Cardiovascular phenotype. Identifiers: MedGen CN230736.

Allele frequency attached by ClinVar (database versions not stated): gnomAD exomes below 0.00001; gnomAD 0.00002; TOPMed 0.00002.
gnomAD v4.1: 4 of 1,611,240 alleles (0.00025%); highest among the groups gnomAD compares: Admixed American, 0.005%; no homozygotes.

Submissions (4):

Labcorp Genetics (formerly Invitae), Labcorp
Classification: Uncertain significance for Myofibrillar myopathy 4. Last evaluated: 2024-11-18. Review status: criteria provided, single submitter. Criteria: Invitae Variant Classification Sherloc (09022015). Collection method: clinical testing. Allele origin: germline.
Comment: The LDB3 gene has multiple clinically relevant transcripts. This variant occurs in alternate transcript NM_007078.3, and corresponds to NM_001080116.1:c.*17378C>A in the primary transcript. This sequence change replaces histidine, which is basic and polar, with asparagine, which is neutral and polar, at codon 553 of the LDB3 protein (p.His553Asn). The frequency data for this variant in the population databases is considered unreliable, as metrics indicate poor data quality at this position in the gnomAD database. This variant has not been reported in the literature in individuals affected with LDB3-related conditions. Experimental studies and prediction algorithms are not available or were not evaluated, and the functional significance of this variant is currently unknown. In summary, the available evidence is currently insufficient to determine the role of this variant in disease. Therefore, it has been classified as a Variant of Uncertain Significance.

Ambry Genetics
Classification: Uncertain significance for Cardiovascular phenotype. Last evaluated: 2023-12-09. Review status: criteria provided, single submitter. Criteria: Ambry Variant Classification Scheme 2023. Collection method: clinical testing. Allele origin: germline.

GeneDx
Classification: Uncertain significance. Last evaluated: 2021-10-21. Review status: criteria provided, single submitter. Criteria: GeneDx Variant Classification Process June 2021. Collection method: clinical testing. Allele origin: germline. Affected: yes.
Comment: Has not been previously published as pathogenic or benign to our knowledge; Not observed at a significant frequency in large population cohorts (Lek et al., 2016); In silico analysis supports that this missense variant has a deleterious effect on protein structure/function

Blueprint Genetics
Classification: Uncertain significance. Last evaluated: 2020-09-10. Review status: criteria provided, single submitter. Criteria: ACMG Guidelines, 2015. Collection method: clinical testing. Allele origin: germline.

NM_007078.3(LDB3):c.1657C>A (p.His553Asn)

Gene: LDB3 (LIM domain binding 3; plus strand). Cytogenetic location: 10q23.2.
Variant type: single nucleotide variant.
Coding change: c.1657C>A on transcript NM_007078.3 (MANE Select); coding-DNA position 1657, C replaced by A.
Protein change: p.His553Asn; replaces histidine 553 with asparagine.
Molecular consequence: missense variant.
Genome position (GRCh38, 1-based): chr10:86,716,752, C>A. VCF-style: chr10-86716752-C-A. GRCh37 (hg19) VCF-style: chr10-88476509-C-A.
Other names: c.1657C>A (NM_007078.2); c.1327C>A, p.His443Asn (NM_001080114.2); c.1672C>A, p.His558Asn (NM_001171610.2); c.1468C>A, p.His490Asn (NM_001368064.1, NM_001368065.1); c.1516C>A, p.His506Asn (NM_001368066.1); short protein forms H443N, H490N, H506N, H553N, H558N.
Identifiers: ClinVar variation 1321664 (VCV001321664.9), dbSNP rs1488010574, ClinGen allele CA377451671.